The following is an entry in ClinVar:

ClinVar aggregate classification (germline): Uncertain significance. Review status: criteria provided, multiple submitters, no conflicts (2 of 4 stars). 2 submissions from 2 submitters: Uncertain significance (2). Last evaluated 2025-06-29.

Conditions:
Hereditary cancer-predisposing syndrome. Also called: Neoplastic Syndromes, Hereditary; Tumor predisposition; Hereditary Cancer Syndrome; Hereditary neoplastic syndrome. Identifiers: Orphanet 140162, MedGen C0027672, MeSH D009386, MONDO:0015356.

Submissions (2):

Dasa
Classification: Uncertain significance. Last evaluated: 2025-06-29. Review status: criteria provided, single submitter. Criteria: DASA Assertion Criteria. Collection method: clinical testing. Allele origin: germline.
Comment: NM_006361.6(HOXB13):c.319G>A (p.Ala107Thr) is a missense variant that results in the substitution of alanine with threonine. This variant is absent from population databases. Computational prediction algorithms are consistent with a benign effect. The currently available literature and clinical evidence are not sufficient to establish a definitive association between this variant and the reported condition. Therefore, this variant is classified as a variant of uncertain significance.

Ambry Genetics
Classification: Uncertain significance for Hereditary cancer-predisposing syndrome. Last evaluated: 2024-01-07. Review status: criteria provided, single submitter. Criteria: Ambry Variant Classification Scheme 2023. Collection method: clinical testing. Allele origin: germline.
Comment: The p.A107T variant (also known as c.319G>A), located in coding exon 1 of the HOXB13 gene, results from a G to A substitution at nucleotide position 319. The alanine at codon 107 is replaced by threonine, an amino acid with similar properties. This amino acid position is conserved. In addition, this alteration is predicted to be tolerated by in silico analysis. Since supporting evidence is limited at this time, the clinical significance of this alteration remains unclear.

NM_006361.6(HOXB13):c.319G>A (p.Ala107Thr)

Gene: HOXB13 (homeobox B13; minus strand). Cytogenetic location: 17q21.32.
Variant type: single nucleotide variant.
Coding change: c.319G>A on transcript NM_006361.6 (MANE Select); coding-DNA position 319, G replaced by A.
Protein change: p.Ala107Thr; replaces alanine 107 with threonine.
Molecular consequence: missense variant.
Genome position (GRCh38, 1-based): chr17:48,728,275, C>T on the plus strand (G>A on the coding strand, the complement: HOXB13 is on the minus strand). VCF-style: chr17-48728275-C-T. GRCh37 (hg19) VCF-style: chr17-46805637-C-T.
Other names: short protein forms A107T.
Identifiers: ClinVar variation 1728767 (VCV001728767.4), dbSNP rs747755369, ClinGen allele CA400107703.